The following is an entry in ClinVar:

NM_020549.5(CHAT):c.1697G>A (p.Arg566His)

Gene: CHAT (choline O-acetyltransferase; plus strand). Cytogenetic location: 10q11.23.
Variant type: single nucleotide variant.
Coding change: c.1697G>A on transcript NM_020549.5 (MANE Select); coding-DNA position 1697, G replaced by A.
Protein change: p.Arg566His; replaces arginine 566 with histidine.
Molecular consequence: missense variant.
Genome position (GRCh38, 1-based): chr10:49,655,157, G>A. VCF-style: chr10-49655157-G-A. GRCh37 (hg19) VCF-style: chr10-50863203-G-A.
Other names: c.1343G>A, p.Arg448His (NM_001142929.2, NM_001142934.2, NM_020984.4 and 2 more transcripts); c.1451G>A, p.Arg484His (NM_001142933.2); short protein forms R566H, R448H, R484H.
Identifiers: ClinVar variation 1518426 (VCV001518426.5), dbSNP rs1411285839, ClinGen allele CA376747543.
Genomic context (GRCh38, chr10:49,655,157, plus strand): 5'-TCCATCGAAGACTGGTGCCCACCTACGAGAGCGCGTCCATCCGCCGATTCCAGGAGGGAC[G>A]CGTGGACAACATCAGATCGGCCACTCCAGAGGCACTGGCTTTTGTGAGAGCCGTGACTGA-3'
Protein context (NP_065574.4, residues 556-576): SASIRRFQEG[Arg566His]VDNIRSATPE

ClinVar aggregate classification (germline): Uncertain significance (1 of 4 stars; one submission).

Conditions:
Familial infantile myasthenia (CMS6). Also called: Congenital myasthenic syndrome type 6; MYASTHENIC SYNDROME, PRESYNAPTIC, CONGENITAL, ASSOCIATED WITH EPISODIC APNEA; MYASTHENIC SYNDROME, CONGENITAL, 6, PRESYNAPTIC. Identifiers: Orphanet 590, MedGen C0393929, MONDO:0009689, OMIM 254210.

Allele frequency attached by ClinVar (database versions not stated): gnomAD exomes below 0.00001 and 0.00001.

Submission:

Labcorp Genetics (formerly Invitae), Labcorp
Classification: Uncertain significance for Familial infantile myasthenia. Last evaluated: 2022-06-27. Review status: criteria provided, single submitter. Criteria: Invitae Variant Classification Sherloc (09022015). Collection method: clinical testing. Allele origin: germline.
Comment: This sequence change replaces arginine, which is basic and polar, with histidine, which is basic and polar, at codon 566 of the CHAT protein (p.Arg566His). This variant is present in population databases (no rsID available, gnomAD 0.006%). This variant has not been reported in the literature in individuals affected with CHAT-related conditions. Advanced modeling of protein sequence and biophysical properties (such as structural, functional, and spatial information, amino acid conservation, physicochemical variation, residue mobility, and thermodynamic stability) performed at Invitae indicates that this missense variant is expected to disrupt CHAT protein function. In summary, the available evidence is currently insufficient to determine the role of this variant in disease. Therefore, it has been classified as a Variant of Uncertain Significance.